The following is an entry in ClinVar:

ClinVar aggregate classification (germline): Pathogenic/Likely pathogenic. Review status: criteria provided, multiple submitters, no conflicts (2 of 4 stars). 4 submissions from 4 submitters: Pathogenic (1); Likely pathogenic (3). Last evaluated 2026-09-08.

Conditions:
Fabry disease. Also called: Angiokeratoma corporis diffusum; Ceramide trihexosidosis; Fabry's disease; ALPHA-GALACTOSIDASE A DEFICIENCY; ANDERSON-FABRY DISEASE; CERAMIDE TRIHEXOSIDASE DEFICIENCY. Identifiers: Orphanet 324, MedGen C0002986, MONDO:0010526, OMIM 301500, HP:0001071. Disease mechanism: loss of function, Fabry disease is due to inactivating mutations in the X-linked GLA gene resulting in deficiency of the enzyme Alpha Galactosidase-A..

Submissions (4):

Genomenon, Inc
Classification: Likely pathogenic for Fabry disease. Last evaluated: 2026-09-08. Review status: criteria provided, single submitter. Criteria: Genomenon Sequence Variant Interpretation Standards - Updated. Collection method: curation. Allele origin: germline. Affected: yes.
Comment: GLA p.Ala257Val (c.770C>T) is a missense variant that changes the amino acid at codon 257 from Alanine to Valine. This variant has been observed in at least one proband with clinical features consistent with Fabry disease (PMID:25974833). Functional or patient cell studies have been reported (PMID:25974833). The presence of pathogenic/likely pathogenic missense variant(s) at the same amino acid position indicates that this residue is likely important for protein function. It is absent or not present at a significant frequency in gnomAD. In silico models predict that this variant is possibly or probably damaging. In conclusion, we classify GLA p.Ala257Val (c.770C>T) as a likely pathogenic variant.

Genome-Nilou Lab
Classification: Likely pathogenic for Fabry disease. Last evaluated: 2021-07-15. Review status: criteria provided, single submitter. Criteria: ACMG Guidelines, 2015. Collection method: clinical testing. Allele origin: germline. Affected: no.

Labcorp Genetics (formerly Invitae), Labcorp
Classification: Pathogenic for Fabry disease. Last evaluated: 2019-03-25. Review status: criteria provided, single submitter. Criteria: Invitae Variant Classification Sherloc (09022015). Collection method: clinical testing. Allele origin: germline.
Comment: This sequence change replaces alanine with valine at codon 257 of the GLA protein (p.Ala257Val). The alanine residue is highly conserved and there is a small physicochemical difference between alanine and valine. This variant is not present in population databases (ExAC no frequency). This variant has been observed in several individuals affected with Fabry disease (PMID: 25974833). Algorithms developed to predict the effect of missense changes on protein structure and function are either unavailable or do not agree on the potential impact of this missense change (SIFT: "Deleterious"; PolyPhen-2: "Probably Damaging"; Align-GVGD: "Class C0"). For these reasons, this variant has been classified as Pathogenic.

Women's Health and Genetics/Laboratory Corporation of America, LabCorp
Classification: Likely pathogenic for Fabry disease. Last evaluated: 2018-10-01. Review status: criteria provided, single submitter. Criteria: LabCorp Variant Classification Summary - May 2015. Collection method: clinical testing. Allele origin: germline.
Comment: Variant summary: GLA c.770C>T (p.Ala257Val) results in a non-conservative amino acid change in the encoded protein sequence. Five of five in-silico tools predict a damaging effect of the variant on protein function. The variant was absent in 178780 control chromosomes (gnomAD). c.770C>T has been reported in the literature in female individuals with a confirmed diagnosis of Fabry Disease ascertained at a single institution (Echevarria 2015). These data indicate that the variant is likely to be associated with disease. This publication also reported experimental evidence evaluating an impact on protein function. The most pronounced variant effect resulted in activities ranging from as low as 17% of normal activity to 129% of normal activity with a median activity in the range of 45-63% of normal. The results of enzyme activity were influenced by the degree of X-chromosome inactivation ranging from random, skewed towards mutant or the wild-type alleles. No clinical diagnostic laboratories have submitted clinical-significance assessments for this variant to ClinVar after 2014. Based on the evidence outlined above, the variant was classified as likely pathogenic.

Literature cited by the submitters: PubMed 25974833 (cited by 3 submitters).

NM_000169.3(GLA):c.770C>T (p.Ala257Val)

Genes: GLA (galactosidase alpha; minus strand), RPL36A-HNRNPH2 (RPL36A-HNRNPH2 readthrough; plus strand). Cytogenetic location: Xq22.1.
Variant type: single nucleotide variant.
Coding change: c.770C>T on transcript NM_000169.3 (MANE Select); coding-DNA position 770, C replaced by T.
Protein change: p.Ala257Val; replaces alanine 257 with valine.
Molecular consequence: missense variant. On other transcripts: non-coding transcript variant (3), intron variant (2).
Genome position (GRCh38, 1-based): chrX:101,398,816, G>A on the plus strand (C>T on the coding strand, the complement: GLA is on the minus strand). VCF-style: chrX-101398816-G-A. GRCh37 (hg19) VCF-style: chrX-100653804-G-A.
Other names: c.893C>T, p.Ala298Val (NM_001406747.1); c.770C>T, p.Ala257Val (NM_001406748.1); c.300+3359G>A (NM_001199973.2); c.177+6994G>A (NM_001199974.2); short protein forms A257V, A298V.
Identifiers: ClinVar variation 633249 (VCV000633249.15), dbSNP rs1569303218, ClinGen allele CA413924035.